The following is an entry in ClinVar:

NM_002121.6(HLA-DPB1):c.429C>A (p.Val143=)

Gene: HLA-DPB1 (major histocompatibility complex, class II, DP beta 1; plus strand). Cytogenetic location: 6p21.32.
Variant type: single nucleotide variant.
Coding change: c.429C>A on transcript NM_002121.6 (MANE Select); coding-DNA position 429, C replaced by A.
Protein change: p.Val143=; no amino-acid change (valine 143 retained).
Molecular consequence: synonymous variant.
Genome position (GRCh38, 1-based): chr6:33,085,014, C>A. VCF-style: chr6-33085014-C-A. GRCh37 (hg19) VCF-style: chr6-33052791-C-A.
Identifiers: ClinVar variation 2656481 (VCV002656481.24), dbSNP rs2533907834, ClinGen allele CA450116070.

ClinVar aggregate classification (germline): Likely benign (1 of 4 stars; one submission).

Submission:

CeGaT Center for Human Genetics Tuebingen
Classification: Likely benign. Last evaluated: 2022-09-01. Review status: criteria provided, single submitter. Criteria: CeGaT Center For Human Genetics Tuebingen Variant Classification Criteria Version 2. Collection method: clinical testing. Allele origin: germline. Affected: yes. Observed: 1 variant allele.
Comment: HLA-DPB1: PM2:Supporting, BP4, BP7